The following is an entry in ClinVar:

NM_000038.6(APC):c.3838T>G (p.Leu1280Val)

Gene: APC (APC regulator of Wnt signaling pathway; plus strand). Cytogenetic location: 5q22.2.
Variant type: single nucleotide variant.
Coding change: c.3838T>G on transcript NM_000038.6 (MANE Select); coding-DNA position 3838, T replaced by G.
Protein change: p.Leu1280Val; replaces leucine 1280 with valine.
Molecular consequence: missense variant.
Genome position (GRCh38, 1-based): chr5:112,839,432, T>G. VCF-style: chr5-112839432-T-G. GRCh37 (hg19) VCF-style: chr5-112175129-T-G.
Other names: c.3535T>G, p.Leu1179Val (NM_001354903.2); c.3460T>G, p.Leu1154Val (NM_001354904.2); c.3358T>G, p.Leu1120Val (NM_001354905.2); c.2989T>G, p.Leu997Val (NM_001354906.2); c.3838T>G, p.Leu1280Val (NM_001127510.3, NM_001354895.2); c.3784T>G, p.Leu1262Val (NM_001127511.3); c.3892T>G, p.Leu1298Val (NM_001354896.2); c.3868T>G, p.Leu1290Val (NM_001354897.2); and 5 more; short protein forms L1280V, L1262V, L1189V, L1255V, L1290V, L1298V, L997V, L1239V.
Identifiers: ClinVar variation 537429 (VCV000537429.10), dbSNP rs1554085343, ClinGen allele CA16029751.

ClinVar aggregate classification (germline): Uncertain significance (1 of 4 stars; one submission).

Conditions:
Familial adenomatous polyposis 1 (FAP1). Also called: FAMILIAL ADENOMATOUS POLYPOSIS 1, ATTENUATED; POLYPOSIS, ADENOMATOUS INTESTINAL. Identifiers: MedGen C2713442, MONDO:0021056, OMIM 175100. Disease mechanism: loss of function.

Submission:

Labcorp Genetics (formerly Invitae), Labcorp
Classification: Uncertain significance for Familial adenomatous polyposis 1. Last evaluated: 2017-08-14. Review status: criteria provided, single submitter. Criteria: Invitae Variant Classification Sherloc (09022015). Collection method: clinical testing. Allele origin: germline.
Comment: In summary, the available evidence is currently insufficient to determine the role of this variant in disease. Therefore, it has been classified as a Variant of Uncertain Significance. Algorithms developed to predict the effect of missense changes on protein structure and function (SIFT, PolyPhen-2, Align-GVGD) all suggest that this variant is likely to be disruptive, but these predictions have not been confirmed by published functional studies and their clinical significance is uncertain. This variant has not been reported in the literature in individuals with APC-related disease. This variant is not present in population databases (ExAC no frequency). This sequence change replaces leucine with valine at codon 1280 of the APC protein (p.Leu1280Val). The leucine residue is highly conserved and there is a small physicochemical difference between leucine and valine.